The following is an entry in ClinVar:

NM_001733.7(C1R):c.635G>A (p.Arg212Gln)

Gene: C1R (complement C1r; minus strand). Cytogenetic location: 12p13.31.
Variant type: single nucleotide variant.
Coding change: c.635G>A on transcript NM_001733.7 (MANE Select); coding-DNA position 635, G replaced by A.
Protein change: p.Arg212Gln; replaces arginine 212 with glutamine.
Molecular consequence: missense variant.
Genome position (GRCh38, 1-based): chr12:7,089,426, C>T on the plus strand (G>A on the coding strand, the complement: C1R is on the minus strand). VCF-style: chr12-7089426-C-T. GRCh37 (hg19) VCF-style: chr12-7242022-C-T.
Other names: c.677G>A, p.Arg226Gln (NM_001354346.2); short protein forms R212Q, R226Q.
Identifiers: ClinVar variation 2573476 (VCV002573476.1), dbSNP rs376068614, ClinGen allele CA6424173.

ClinVar aggregate classification (germline): Uncertain significance (1 of 4 stars; one submission).

Allele frequency attached by ClinVar (database versions not stated): ExAC 0.00001; gnomAD exomes 0.00001; gnomAD 0.00003; ESP Exome Variant Server 0.00008.

Submission:

Women's Health and Genetics/Laboratory Corporation of America, LabCorp
Classification: Uncertain significance. Last evaluated: 2023-06-09. Review status: criteria provided, single submitter. Criteria: LabCorp Variant Classification Summary - May 2015. Collection method: clinical testing. Allele origin: germline.
Comment: Variant summary: C1R c.635G>A (p.Arg212Gln) results in a conservative amino acid change located in the CUB domain of the encoded protein sequence. Four of four in-silico tools predict a benign effect of the variant on protein function. The variant allele was found at a frequency of 8.1e-06 in 247106 control chromosomes. The available data on variant occurrences in the general population are insufficient to allow any conclusion about variant significance. To our knowledge, no occurrence of c.635G>A in individuals affected with Ehlers-Danlos Syndrome, Periodontal Type 1 and no experimental evidence demonstrating its impact on protein function have been reported. No clinical diagnostic laboratories have submitted clinical-significance assessments for this variant to ClinVar after 2014. Based on the evidence outlined above, the variant was classified as uncertain significance.